The following is an entry in ClinVar:

ClinVar aggregate classification (germline): Uncertain significance (1 of 4 stars; one submission).

Conditions:
Generalized juvenile polyposis/juvenile polyposis coli. Also called: Juvenile polyposis coli. Identifiers: Orphanet 329971, MedGen C1868081, MONDO:0008276.

Submission:

Labcorp Genetics (formerly Invitae), Labcorp
Classification: Uncertain significance for Juvenile polyposis syndrome. Last evaluated: 2019-07-10. Review status: criteria provided, single submitter. Criteria: Invitae Variant Classification Sherloc (09022015). Collection method: clinical testing. Allele origin: germline.
Comment: This variant results in a copy number gain of the genomic region encompassing the full coding sequence of the BMPR1A gene. The boundaries of this event are unknown as they extend beyond the assayed region for this gene and therefore may encompass additional genes. As the precise location of this event is unknown, it may be in tandem or it may be located elsewhere in the genome. This variant has not been reported in the literature in individuals with BMPR1A-related disease. In summary, the available evidence is currently insufficient to determine the role of this variant in disease. Therefore, it has been classified as a Variant of Uncertain Significance.

NC_000010.10:g.(?_88598623)_(88683486_?)dup

Genes: BMPR1A (bone morphogenetic protein receptor type 1A; plus strand), LOC130004246 (ATAC-STARR-seq lymphoblastoid silent region 2574; plus strand), LOC130004247 (ATAC-STARR-seq lymphoblastoid active region 3697; plus strand). Cytogenetic location: 10q23.2.
Variant type: Duplication.
Identifiers: ClinVar variation 583629 (VCV000583629.3).